The following is an entry in ClinVar:

NM_001283009.2(RTEL1):c.3253G>A (p.Ala1085Thr)

Genes: RTEL1 (regulator of telomere elongation helicase 1; plus strand), RTEL1-TNFRSF6B (RTEL1-TNFRSF6B readthrough (NMD candidate); plus strand). Cytogenetic location: 20q13.33.
Variant type: single nucleotide variant.
Coding change: c.3253G>A on transcript NM_001283009.2 (MANE Select); coding-DNA position 3253, G replaced by A.
Protein change: p.Ala1085Thr; replaces alanine 1085 with threonine.
Molecular consequence: missense variant. On other transcripts: non-coding transcript variant (1).
Genome position (GRCh38, 1-based): chr20:63,694,884, G>A. VCF-style: chr20-63694884-G-A. GRCh37 (hg19) VCF-style: chr20-62326237-G-A.
Other names: c.2584G>A, p.Ala862Thr (NM_001283010.1); c.3253G>A, p.Ala1085Thr (NM_016434.4); c.3325G>A, p.Ala1109Thr (NM_032957.5); short protein forms A1085T, A1109T, A862T.
Identifiers: ClinVar variation 3370842 (VCV003370842.2).
Genomic context (GRCh38, chr20:63,694,884, plus strand): 5'-GCTGATGCCCGCAGGGCCCTGGGGTCCGCGGGCTGTAGCCAACTCTTGGCAGCGCTGACA[G>A]CCTATAAGCAAGACGACGACCTCGACAAGGTGCTGGCTGTGTTGGCCGCCCTGACCACTG-3'
Protein context (NP_001269938.1, residues 1075-1095): GCSQLLAALT[Ala1085Thr]YKQDDDLDKV

ClinVar aggregate classification (germline): Conflicting classifications of pathogenicity. Review status: criteria provided, conflicting classifications (1 of 4 stars). 2 submissions from 2 submitters: Uncertain significance (1); Likely benign (1). Last evaluated 2025-02-01.

Conditions:
Inborn genetic diseases. Identifiers: MedGen C0950123, MeSH D030342.

gnomAD v4.1: 7 of 1,612,678 alleles (0.00043%); highest among the groups gnomAD compares: Non-Finnish European, 0.00051%; no homozygotes.

Submissions (2):

Ambry Genetics
Classification: Likely benign for Inborn genetic diseases. Last evaluated: 2025-02-01. Review status: criteria provided, single submitter. Criteria: Ambry Variant Classification Scheme 2023. Collection method: clinical testing. Allele origin: germline.

GeneDx
Classification: Uncertain significance. Last evaluated: 2024-03-11. Review status: criteria provided, single submitter. Criteria: GeneDx Variant Classification Process June 2021. Collection method: clinical testing. Allele origin: germline. Affected: yes.
Comment: Not observed at significant frequency in large population cohorts (gnomAD); In silico analysis supports that this missense variant does not alter protein structure/function; Has not been previously published as pathogenic or benign to our knowledge